The following is an entry in ClinVar:

ClinVar aggregate classification (germline): Uncertain significance. Review status: criteria provided, multiple submitters, no conflicts (2 of 4 stars). 2 submissions from 2 submitters: Uncertain significance (2). Last evaluated 2025-09-25.

Conditions:
Inborn genetic diseases. Identifiers: MedGen C0950123, MeSH D030342.

Submissions (2):

Ambry Genetics
Classification: Uncertain significance for Inborn genetic diseases. Last evaluated: 2025-09-25. Review status: criteria provided, single submitter. Criteria: Ambry Variant Classification Scheme 2023. Collection method: clinical testing. Allele origin: germline.

GeneDx
Classification: Uncertain significance. Last evaluated: 2023-12-29. Review status: criteria provided, single submitter. Criteria: GeneDx Variant Classification Process June 2021. Collection method: clinical testing. Allele origin: germline. Affected: yes.
Comment: Not observed at significant frequency in large population cohorts (gnomAD); In silico analysis supports that this missense variant has a deleterious effect on protein structure/function; Has not been previously published as pathogenic or benign to our knowledge

NM_004385.5(VCAN):c.5737G>A (p.Gly1913Arg)

Genes: VCAN (versican; plus strand), VCAN-AS1 (VCAN antisense RNA 1; minus strand). Cytogenetic location: 5q14.3.
Variant type: single nucleotide variant.
Coding change: c.5737G>A on transcript NM_004385.5 (MANE Select); coding-DNA position 5737, G replaced by A.
Protein change: p.Gly1913Arg; replaces glycine 1913 with arginine.
Molecular consequence: missense variant. On other transcripts: intron variant (2).
Genome position (GRCh38, 1-based): chr5:83,538,740, G>A. VCF-style: chr5-83538740-G-A. GRCh37 (hg19) VCF-style: chr5-82834559-G-A.
Other names: c.2776G>A, p.Gly926Arg (NM_001164097.2); c.4004-6797G>A (NM_001164098.2); c.1043-6797G>A (NM_001126336.3); short protein forms G1913R, G926R.
Identifiers: ClinVar variation 3367437 (VCV003367437.2).